The following is an entry in ClinVar:

ClinVar aggregate classification (germline): Benign/Likely benign. Review status: criteria provided, multiple submitters, no conflicts (2 of 4 stars). 7 submissions from 5 submitters: Benign (4); Likely benign (3). Last evaluated 2026-02-02.

Conditions:
Age related macular degeneration 5. Identifiers: MedGen C3151063, MONDO:0013409, OMIM 613761.
Cerebrooculofacioskeletal syndrome 1 (COFS1). Also called: Cerebro-oculo-facio-skeletal syndrome 1. Identifiers: MedGen C0220722, MONDO:0008955, OMIM 214150.
Cockayne syndrome type 2 (CSB). Also called: COCKAYNE SYNDROME B; Cockayne Syndrome, Type II. Identifiers: Orphanet 191, Orphanet 90322, MedGen C0751038, MONDO:0019570, OMIM 133540.

Allele frequency attached by ClinVar (database versions not stated): gnomAD exomes 0.00108 and 0.00265; ExAC 0.00338; gnomAD 0.01076 and 0.01168; 1000 Genomes Project 30x 0.01124; 1000 Genomes Project 0.01178; TOPMed 0.01213; ESP Exome Variant Server 0.01238.
gnomAD v4.1: 3,257 of 1,614,204 alleles (0.2%); highest among the groups gnomAD compares: African/African-American, 4%; 68 homozygotes.

Submissions (7):

Labcorp Genetics (formerly Invitae), Labcorp
Classification: Benign. Last evaluated: 2026-02-02. Review status: criteria provided, single submitter. Criteria: Invitae Variant Classification Sherloc (09022015). Collection method: clinical testing. Allele origin: germline.

GeneDx
Classification: Likely benign. Last evaluated: 2022-02-15. Review status: criteria provided, single submitter. Criteria: GeneDx Variant Classification Process June 2021. Collection method: clinical testing. Allele origin: germline. Affected: yes.

Illumina Laboratory Services, Illumina
Classification: Benign for Cerebrooculofacioskeletal syndrome 1. Last evaluated: 2018-01-12. Review status: criteria provided, single submitter. Criteria: ICSL Variant Classification Criteria 13 December 2019. Collection method: clinical testing. Allele origin: germline.
Comment: This variant was observed in the ICSL laboratory as part of a predisposition screen in an ostensibly healthy population. It had not been previously curated by ICSL or reported in the Human Gene Mutation Database (HGMD: prior to June 1st, 2018), and was therefore a candidate for classification through an automated scoring system. Utilizing variant allele frequency, disease prevalence and penetrance estimates, and inheritance mode, an automated score was calculated to assess if this variant is too frequent to cause the disease. Based on the score and internal cut-off values, a variant classified as benign is not then subjected to further curation. The score for this variant resulted in a classification of benign for this disease.

Illumina Laboratory Services, Illumina
Classification: Benign for Cockayne syndrome type 2. Last evaluated: 2018-01-12. Review status: criteria provided, single submitter. Criteria: ICSL Variant Classification Criteria 13 December 2019. Collection method: clinical testing. Allele origin: germline.
Comment: the same text as in the submission from Illumina Laboratory Services, Illumina above.

Illumina Laboratory Services, Illumina
Classification: Benign for Age related macular degeneration 5. Last evaluated: 2018-01-12. Review status: criteria provided, single submitter. Criteria: ICSL Variant Classification Criteria 13 December 2019. Collection method: clinical testing. Allele origin: germline.
Comment: the same text as in the submission from Illumina Laboratory Services, Illumina above.

Claritas Genomics
Classification: Likely benign. Last evaluated: 2013-08-26. Review status: criteria provided, single submitter. Criteria: ACMG Guidelines, 2007. Collection method: clinical testing. Allele origin: germline. Inheritance: Autosomal recessive inheritance.

Breakthrough Genomics
Classification: Likely benign. Review status: criteria provided, single submitter. Criteria: ACMG Guidelines, 2015. Collection method: not provided. Allele origin: germline. Inheritance: Autosomal recessive inheritance. Affected: yes.

NM_000124.4(ERCC6):c.3177T>C (p.Ser1059=)

Gene: ERCC6 (ERCC excision repair 6, chromatin remodeling factor; minus strand). Cytogenetic location: 10q11.23.
Variant type: single nucleotide variant.
Coding change: c.3177T>C on transcript NM_000124.4 (MANE Select); coding-DNA position 3177, T replaced by C.
Protein change: p.Ser1059=; no amino-acid change (serine 1059 retained).
Molecular consequence: synonymous variant.
Genome position (GRCh38, 1-based): chr10:49,470,783, A>G on the plus strand (T>C on the coding strand, the complement: ERCC6 is on the minus strand). VCF-style: chr10-49470783-A-G. GRCh37 (hg19) VCF-style: chr10-50678829-A-G.
Other names: c.3177T>C, p.Ser1059= (NM_001346440.2).
Identifiers: ClinVar variation 190165 (VCV000190165.19), dbSNP rs4253207, ClinGen allele CA199594.